The following is an entry in ClinVar:

NM_001378743.1(CYLD):c.*3736G>A

Genes: CYLD-AS2 (CYLD antisense RNA 2; minus strand), CYLD (CYLD lysine 63 deubiquitinase; plus strand). Cytogenetic location: 16q12.1.
Variant type: single nucleotide variant.
Coding change: c.*3736G>A on transcript NM_001378743.1 (MANE Select); 3736 bases downstream of the stop codon, G replaced by A.
Molecular consequence: 3 prime UTR variant. On other transcripts: non-coding transcript variant (1).
Genome position (GRCh38, 1-based): chr16:50,800,244, G>A. VCF-style: chr16-50800244-G-A. GRCh37 (hg19) VCF-style: chr16-50834155-G-A.
Other names: c.*3736G>A (NM_001042355.2, NM_001042412.3, NM_001378744.1 and 12 more transcripts).
Identifiers: ClinVar variation 319558 (VCV000319558.29), dbSNP rs567662515, ClinGen allele CA10647655.

ClinVar aggregate classification (germline): Benign/Likely benign. Review status: criteria provided, multiple submitters, no conflicts (2 of 4 stars). 4 submissions from 2 submitters: Benign (3); Likely benign (1). Last evaluated 2023-01-01.

Conditions:
Brooke-Spiegler syndrome. Also called: CYLD Cutaneous Syndrome. Identifiers: Orphanet 79493, MedGen C1857941, MONDO:0011512, OMIM 605041.
Familial cylindromatosis. Also called: Turban tumor syndrome; ANCELL-SPIEGLER CYLINDROMAS. Identifiers: Orphanet 211, Orphanet 79493, MedGen C1851526, MONDO:0007565, OMIM 132700.
Familial multiple trichoepitheliomata. Also called: Familial multiple trichoepithelioma. Identifiers: Orphanet 79493, Orphanet 867, MedGen C1275122, MONDO:0011114.

Allele frequency attached by ClinVar (database versions not stated): gnomAD 0.00056 and 0.00058; 1000 Genomes Project 0.00060; TOPMed 0.00073; gnomAD exomes 0.00096; 1000 Genomes Project 30x 0.00125.
gnomAD v4.1: 170 of 233,294 alleles (0.073%); highest among the groups gnomAD compares: Non-Finnish European, 0.11%; no homozygotes.

Submissions (4):

CeGaT Center for Human Genetics Tuebingen
Classification: Likely benign. Last evaluated: 2023-01-01. Review status: criteria provided, single submitter. Criteria: CeGaT Center For Human Genetics Tuebingen Variant Classification Criteria Version 2. Collection method: clinical testing. Allele origin: germline. Affected: yes. Observed: 1 variant allele.
Comment: CYLD: BS1

Illumina Laboratory Services, Illumina
Classification: Benign for Familial cylindromatosis. Last evaluated: 2018-01-12. Review status: criteria provided, single submitter. Criteria: ICSL Variant Classification Criteria 13 December 2019. Collection method: clinical testing. Allele origin: germline.
Comment: This variant was observed in the ICSL laboratory as part of a predisposition screen in an ostensibly healthy population. It had not been previously curated by ICSL or reported in the Human Gene Mutation Database (HGMD: prior to June 1st, 2018), and was therefore a candidate for classification through an automated scoring system. Utilizing variant allele frequency, disease prevalence and penetrance estimates, and inheritance mode, an automated score was calculated to assess if this variant is too frequent to cause the disease. Based on the score and internal cut-off values, a variant classified as benign is not then subjected to further curation. The score for this variant resulted in a classification of benign for this disease.

Illumina Laboratory Services, Illumina
Classification: Benign for Brooke-Spiegler syndrome. Last evaluated: 2018-01-12. Review status: criteria provided, single submitter. Criteria: ICSL Variant Classification Criteria 13 December 2019. Collection method: clinical testing. Allele origin: germline.
Comment: the same text as in the submission from Illumina Laboratory Services, Illumina above.

Illumina Laboratory Services, Illumina
Classification: Benign for Trichoepithelioma, multiple familial, 1. Last evaluated: 2018-01-12. Review status: criteria provided, single submitter. Criteria: ICSL Variant Classification Criteria 13 December 2019. Collection method: clinical testing. Allele origin: germline.
Comment: the same text as in the submission from Illumina Laboratory Services, Illumina above.